The following is an entry in ClinVar:

ClinVar aggregate classification (germline): Uncertain significance (0 of 4 stars; one submission).

Conditions:
RNF2-related disorder. Also called: RNF2-related condition.

Submission:

PreventionGenetics, part of Exact Sciences
Classification: Uncertain significance for RNF2-related condition. Last evaluated: 2023-10-30. Review status: no assertion criteria provided. Collection method: clinical testing. Allele origin: germline.
Comment: The RNF2 c.995C>A variant is predicted to result in the amino acid substitution p.Thr332Lys. To our knowledge, this variant has not been reported in the literature or in a large population database, indicating this variant is rare. At this time, the clinical significance of this variant is uncertain due to the absence of conclusive functional and genetic evidence.

NM_007212.4(RNF2):c.995C>A (p.Thr332Lys)

Gene: RNF2 (ring finger protein 2; plus strand). Cytogenetic location: 1q25.3.
Variant type: single nucleotide variant.
Coding change: c.995C>A on transcript NM_007212.4 (MANE Select); coding-DNA position 995, C replaced by A.
Protein change: p.Thr332Lys; replaces threonine 332 with lysine.
Molecular consequence: missense variant.
Genome position (GRCh38, 1-based): chr1:185,100,285, C>A. VCF-style: chr1-185100285-C-A. GRCh37 (hg19) VCF-style: chr1-185069417-C-A.
Other names: short protein forms T332K.
Identifiers: ClinVar variation 3038190 (VCV003038190.2), dbSNP rs2526105005, ClinGen allele CA343874699.